The following is an entry in ClinVar:

ClinVar aggregate classification (germline): Uncertain significance. Review status: criteria provided, multiple submitters, no conflicts (2 of 4 stars). 2 submissions from 2 submitters: Uncertain significance (2). Last evaluated 2024-06-26.

gnomAD v4.1: 14 of 1,614,080 alleles (0.00087%); highest among the groups gnomAD compares: Non-Finnish European, 0.0012%; no homozygotes.

Submissions (2):

Labcorp Genetics (formerly Invitae), Labcorp
Classification: Uncertain significance. Last evaluated: 2024-06-26. Review status: criteria provided, single submitter. Criteria: Invitae Variant Classification Sherloc (09022015). Collection method: clinical testing. Allele origin: germline.
Comment: This sequence change replaces lysine, which is basic and polar, with glutamine, which is neutral and polar, at codon 757 of the CDHR1 protein (p.Lys757Gln). This variant is not present in population databases (gnomAD no frequency). This missense change has been observed in individual(s) with clinical features of CDHR1-related conditions (Invitae). Advanced modeling of protein sequence and biophysical properties (such as structural, functional, and spatial information, amino acid conservation, physicochemical variation, residue mobility, and thermodynamic stability) performed at Invitae indicates that this missense variant is not expected to disrupt CDHR1 protein function with a negative predictive value of 95%. In summary, the available evidence is currently insufficient to determine the role of this variant in disease. Therefore, it has been classified as a Variant of Uncertain Significance.

Blueprint Genetics
Classification: Uncertain significance. Last evaluated: 2022-03-24. Review status: criteria provided, single submitter. Criteria: ACMG Guidelines, 2015. Collection method: clinical testing. Allele origin: germline.

NM_033100.4(CDHR1):c.2269A>C (p.Lys757Gln)

Gene: CDHR1 (cadherin related family member 1; plus strand). Cytogenetic location: 10q23.1.
Variant type: single nucleotide variant.
Coding change: c.2269A>C on transcript NM_033100.4 (MANE Select); coding-DNA position 2269, A replaced by C.
Protein change: p.Lys757Gln; replaces lysine 757 with glutamine.
Molecular consequence: missense variant. On other transcripts: intron variant (1).
Genome position (GRCh38, 1-based): chr10:84,214,310, A>C. VCF-style: chr10-84214310-A-C. GRCh37 (hg19) VCF-style: chr10-85974066-A-C.
Other names: c.2040+962A>C (NM_001171971.3); short protein forms K757Q.
Identifiers: ClinVar variation 3687951 (VCV003687951.3).